The following is an entry in ClinVar:

NM_001005242.3(PKP2):c.939C>A (p.Ser313Arg)

Gene: PKP2 (plakophilin 2; minus strand). Cytogenetic location: 12p11.21.
Variant type: single nucleotide variant.
Coding change: c.939C>A on transcript NM_001005242.3 (MANE Select); coding-DNA position 939, C replaced by A.
Protein change: p.Ser313Arg; replaces serine 313 with arginine.
Molecular consequence: missense variant.
Genome position (GRCh38, 1-based): chr12:32,877,941, G>T on the plus strand (C>A on the coding strand, the complement: PKP2 is on the minus strand). VCF-style: chr12-32877941-G-T. GRCh37 (hg19) VCF-style: chr12-33030875-G-T.
Other names: c.939C>A, p.Ser313Arg (NM_001407155.1, NM_001407156.1, NM_001407157.1 and 2 more transcripts); c.612C>A, p.Ser204Arg (NM_001407158.1, NM_001407159.1, NM_001407160.1 and 1 more transcripts); short protein forms S204R, S313R.
Identifiers: ClinVar variation 3387495 (VCV003387495.1).

ClinVar aggregate classification (germline): Uncertain significance (1 of 4 stars; one submission).

Conditions:
Arrhythmogenic right ventricular cardiomyopathy (ARVD). Also called: Arrhythmogenic right ventricular dysplasia; Cardiomyopathy, ARVC; Arrhythmogenic cardiomyopathy; Arrhythmogenic Right Ventricular Cardiomyopathy (ARVC). Identifiers: Orphanet 247, MedGen C0349788, MeSH D019571, MONDO:0016587. Disease mechanism: loss of function. Inheritance: Various modes of inheritance.

Submission:

All of Us Research Program, National Institutes of Health
Classification: Uncertain significance for Arrhythmogenic right ventricular cardiomyopathy. Last evaluated: 2024-04-25. Review status: criteria provided, single submitter. Criteria: ACMG Guidelines, 2015. Collection method: clinical testing. Allele origin: germline. Inheritance: Autosomal dominant inheritance. Observed: 1 variant allele, 1 heterozygote.
Comment: This missense variant replaces serine with arginine at codon 313 of the PKP2 protein. Computational prediction suggests that this variant may not impact protein structure and function (internally defined REVEL score threshold <= 0.5, PMID: 27666373). To our knowledge, functional studies have not been reported for this variant. This variant has not been reported in individuals affected with PKP2-related disorders in the literature. This variant has not been identified in the general population by the Genome Aggregation Database (gnomAD). The available evidence is insufficient to determine the role of this variant in disease conclusively. Therefore, this variant is classified as a Variant of Uncertain Significance.

This study involves interpretation of variants in research participants for the purpose of population health screening. Participant phenotype was not available at the time of variant classification. Additional details can be found in publication PMID: 35346344, PMCID: PMC8962531